The following is an entry in ClinVar:

NM_001378778.1(MPDZ):c.3451C>A (p.Arg1151=)

Gene: MPDZ (multiple PDZ domain crumbs cell polarity complex component; minus strand). Cytogenetic location: 9p23.
Variant type: single nucleotide variant.
Coding change: c.3451C>A on transcript NM_001378778.1 (MANE Select); coding-DNA position 3451, C replaced by A.
Protein change: p.Arg1151=; no amino-acid change (arginine 1151 retained).
Molecular consequence: synonymous variant. On other transcripts: intron variant (1).
Genome position (GRCh38, 1-based): chr9:13,158,019, G>T on the plus strand (C>A on the coding strand, the complement: MPDZ is on the minus strand). VCF-style: chr9-13158019-G-T. GRCh37 (hg19) VCF-style: chr9-13158018-G-T.
Other names: c.3451C>A, p.Arg1151= (NM_001261406.2, NM_001261407.2, NM_001330637.2 and 13 more transcripts); c.3255-7331C>A (NM_001375427.1).
Identifiers: ClinVar variation 2170317 (VCV002170317.4), dbSNP rs184850013, ClinGen allele CA189316661.

ClinVar aggregate classification (germline): Uncertain significance (1 of 4 stars; one submission).

gnomAD v4.1: 6 of 1,611,400 alleles (0.00037%); highest among the groups gnomAD compares: Non-Finnish European, 0.00051%; no homozygotes.

Submission:

Labcorp Genetics (formerly Invitae), Labcorp
Classification: Uncertain significance. Last evaluated: 2024-11-19. Review status: criteria provided, single submitter. Criteria: Invitae Variant Classification Sherloc (09022015). Collection method: clinical testing. Allele origin: germline.
Comment: This sequence change affects codon 1151 of the MPDZ mRNA. It is a 'silent' change, meaning that it does not change the encoded amino acid sequence of the MPDZ protein. It affects a nucleotide within the consensus splice site. This variant is not present in population databases (gnomAD no frequency). This variant has not been reported in the literature in individuals affected with MPDZ-related conditions. ClinVar contains an entry for this variant (Variation ID: 2170317). Algorithms developed to predict the effect of sequence changes on RNA splicing suggest that this variant is not likely to affect RNA splicing. In summary, the available evidence is currently insufficient to determine the role of this variant in disease. Therefore, it has been classified as a Variant of Uncertain Significance.